The following is an entry in ClinVar:

NM_001040108.2(MLH3):c.536C>T (p.Ser179Leu)

Gene: MLH3 (mutL homolog 3; minus strand). Cytogenetic location: 14q24.3.
Variant type: single nucleotide variant.
Coding change: c.536C>T on transcript NM_001040108.2 (MANE Select); coding-DNA position 536, C replaced by T.
Protein change: p.Ser179Leu; replaces serine 179 with leucine.
Molecular consequence: missense variant.
Genome position (GRCh38, 1-based): chr14:75,049,120, G>A on the plus strand (C>T on the coding strand, the complement: MLH3 is on the minus strand). VCF-style: chr14-75049120-G-A. GRCh37 (hg19) VCF-style: chr14-75515823-G-A.
Other names: c.536C>T, p.Ser179Leu (NM_014381.3); short protein forms S179L.
Identifiers: ClinVar variation 1163961 (VCV001163961.7), dbSNP rs2139603869, ClinGen allele CA390449943.

ClinVar aggregate classification (germline): Uncertain significance. Review status: criteria provided, multiple submitters, no conflicts (2 of 4 stars). 2 submissions from 2 submitters: Uncertain significance (2). Last evaluated 2022-12-01.

Submissions (2):

Ambry Genetics
Classification: Uncertain significance. Last evaluated: 2022-12-01. Review status: criteria provided, single submitter. Criteria: Ambry Variant Classification Scheme 2023. Collection method: clinical testing. Allele origin: germline.
Comment: The p.S179L variant (also known as c.536C>T), located in coding exon 1 of the MLH3 gene, results from a C to T substitution at nucleotide position 536. The serine at codon 179 is replaced by leucine, an amino acid with dissimilar properties. This amino acid position is conserved. In addition, this alteration is predicted to be deleterious by in silico analysis. Since supporting evidence is limited at this time, the clinical significance of this alteration remains unclear.

Mayo Clinic Laboratories, Mayo Clinic
Classification: Uncertain significance. Last evaluated: 2019-12-16. Review status: criteria provided, single submitter. Criteria: ACMG Guidelines, 2015. Collection method: clinical testing. Allele origin: germline. Observed: 1 variant allele.